The following is an entry in ClinVar:

NM_001267550.2(TTN):c.7082del (p.Gly2361fs)

Genes: TTN (titin; minus strand), LOC126806433 (BRD4-independent group 4 enhancer GRCh37_chr2:179638309-179639508; plus strand). Cytogenetic location: 2q31.2.
Variant type: Deletion.
Coding change: c.7082del on transcript NM_001267550.2 (MANE Select); coding-DNA position 7082, one base deleted (G; older notation c.7082delG).
Protein change: p.Gly2361fs; shifts the reading frame from glycine 2361.
Molecular consequence: frameshift variant.
Genome position (GRCh38, 1-based): chr2:178,774,086, C deleted on the plus strand (G on the coding strand, the reverse complement: TTN is on the minus strand); the first of 2 consecutive C bases (chr2:178,774,086-178,774,087); deleting either gives the same sequence. VCF-style (leftmost placement, unchanged base first): chr2-178774085-TC-T. GRCh37 (hg19) VCF-style: chr2-179638812-TC-T.
Other names: c.7082del, p.Gly2361fs (NM_001256850.1, NM_133378.4, NM_133379.5); c.6944del, p.Gly2315fs (NM_003319.4, NM_133432.3, NM_133437.4); c.6944delG (NM_003319.4); short protein forms G2361fs, G2315fs.
Identifiers: ClinVar variation 3812206 (VCV003812206.1).

ClinVar aggregate classification (germline): Likely pathogenic (1 of 4 stars; one submission).

Conditions:
Cardiovascular phenotype. Identifiers: MedGen CN230736.

Submission:

Ambry Genetics
Classification: Likely pathogenic for Cardiovascular phenotype. Last evaluated: 2024-12-23. Review status: criteria provided, single submitter. Criteria: Ambry Variant Classification Scheme 2023. Collection method: clinical testing. Allele origin: germline.
Comment: The c.6944delG variant, located in coding exon 29 of the TTN gene, results from a deletion of one nucleotide at nucleotide position 6944, causing a translational frameshift with a predicted alternate stop codon (p.G2315Dfs*29). This exon is located in the I-band region of the N2-B isoform of the titin protein and is constitutively expressed in TTN transcripts (percent spliced in or PSI 100%). This variant is considered to be rare based on population cohorts in the Genome Aggregation Database (gnomAD). This alteration is expected to result in loss of function by premature protein truncation or nonsense-mediated mRNA decay. While truncating variants in TTN are present in 1-3% of the general population, truncating variants in the A-band are the most common cause of dilated cardiomyopathy (DCM) (Herman DS et al. N. Engl. J. Med., 2012 Feb;366:619-28; Roberts AM et al. Sci Transl Med, 2015 Jan;7:270ra6). TTN truncating variants encoded in constitutive exons (PSI >90%) have been found to be significantly associated with DCM regardless of their position in titin (Schafer S et al. Nat. Genet., 2017 01;49:46-53). Based on the majority of available evidence to date, this variant is likely to be pathogenic.